The following is an entry in ClinVar:

NM_032634.4(PIGO):c.1119+11G>A

Gene: PIGO (phosphatidylinositol glycan anchor biosynthesis class O; minus strand). Cytogenetic location: 9p13.3.
Variant type: single nucleotide variant.
Coding change: c.1119+11G>A on transcript NM_032634.4 (MANE Select); 11 bases into the intron after coding-DNA position 1119, G replaced by A.
Molecular consequence: intron variant.
Genome position (GRCh38, 1-based): chr9:35,093,019, C>T on the plus strand (G>A on the coding strand, the complement: PIGO is on the minus strand). VCF-style: chr9-35093019-C-T. GRCh37 (hg19) VCF-style: chr9-35093016-C-T.
Other names: c.1119+11G>A (NM_152850.4, NM_001201484.2).
Identifiers: ClinVar variation 509436 (VCV000509436.3), dbSNP rs781071758, ClinGen allele CA5040728.
Genomic context (GRCh38, chr9:35,093,019, plus strand): 5'-AGAGTGGTTCATTATGCTTCTTTCATGCCCACCCTAGCTCTGTCACCTGGAAACCCAGCC[C>T]GCTTACCTACCTGCTGAGCATTGAGATGGAGAGCTGAGGCTTGGGCTAAAGCAGAGGAGT-3'

ClinVar aggregate classification (germline): Likely benign. Review status: criteria provided, multiple submitters, no conflicts (2 of 4 stars). 2 submissions from 2 submitters: Likely benign (2). Last evaluated 2025-11-27.

Conditions:
Hyperphosphatasia with impaired intellectual development syndrome 2. Also called: GLYCOSYLPHOSPHATIDYLINOSITOL BIOSYNTHESIS DEFECT 6; Hyperphosphatasia with intellectual disability syndrome 2. Identifiers: Orphanet 247262, MedGen C3553637, MONDO:0013882, OMIM 614749.

Allele frequency attached by ClinVar (database versions not stated): gnomAD exomes 0.00001; ExAC 0.00002; gnomAD 0.00001; TOPMed 0.00002.

Submissions (2):

Labcorp Genetics (formerly Invitae), Labcorp
Classification: Likely benign for Hyperphosphatasia with impaired intellectual development syndrome 2. Last evaluated: 2025-11-27. Review status: criteria provided, single submitter. Criteria: Invitae Variant Classification Sherloc (09022015). Collection method: clinical testing. Allele origin: germline.

GeneDx
Classification: Likely benign. Last evaluated: 2017-05-12. Review status: criteria provided, single submitter. Criteria: GeneDx Variant Classification (06012015). Collection method: clinical testing. Allele origin: germline. Affected: yes.
Comment: This variant is considered likely benign or benign based on one or more of the following criteria: it is a conservative change, it occurs at a poorly conserved position in the protein, it is predicted to be benign by multiple in silico algorithms, and/or has population frequency not consistent with disease.